The following is an entry in ClinVar:

ClinVar aggregate classification (germline): Uncertain significance (1 of 4 stars; one submission).

Conditions:
Hereditary cancer-predisposing syndrome. Also called: Hereditary neoplastic syndrome; Neoplastic Syndromes, Hereditary; Tumor predisposition; Hereditary Cancer Syndrome. Identifiers: Orphanet 140162, MedGen C0027672, MeSH D009386, MONDO:0015356.

Submission:

Ambry Genetics
Classification: Uncertain significance for Hereditary cancer-predisposing syndrome. Last evaluated: 2025-06-23. Review status: criteria provided, single submitter. Criteria: Ambry Variant Classification Scheme 2023. Collection method: clinical testing. Allele origin: germline.
Comment: The p.N986Y variant (also known as c.2956A>T), located in coding exon 21 of the PDGFRA gene, results from an A to T substitution at nucleotide position 2956. The asparagine at codon 986 is replaced by tyrosine, an amino acid with dissimilar properties. This amino acid position is conserved. In addition, this alteration is predicted to be tolerated by in silico analysis. Based on the available evidence, the clinical significance of this variant remains unclear.

NM_006206.6(PDGFRA):c.2956A>T (p.Asn986Tyr)

Gene: PDGFRA (platelet derived growth factor receptor alpha; plus strand). Cytogenetic location: 4q12.
Variant type: single nucleotide variant.
Coding change: c.2956A>T on transcript NM_006206.6 (MANE Select); coding-DNA position 2956, A replaced by T.
Protein change: p.Asn986Tyr; replaces asparagine 986 with tyrosine.
Molecular consequence: missense variant.
Genome position (GRCh38, 1-based): chr4:54,290,388, A>T. VCF-style: chr4-54290388-A-T. GRCh37 (hg19) VCF-style: chr4-55156555-A-T.
Other names: c.3031A>T, p.Asn1011Tyr (NM_001347828.2); c.2956A>T, p.Asn986Tyr (NM_001347829.2); c.2995A>T, p.Asn999Tyr (NM_001347830.2); short protein forms N1011Y, N986Y, N999Y.
Identifiers: ClinVar variation 4133987 (VCV004133987.1).
Genomic context (GRCh38, chr4:54,290,388, plus strand): 5'-CACCTGGACTTCCTGAAGAGTGACCATCCTGCTGTGGCACGCATGCGTGTGGACTCAGAC[A>T]ATGCATACATTGGTGTCACCTACAAAAACGAGGAAGACAAGCTGAAGGACTGGGAGGGTG-3'
Protein context (NP_006197.1, residues 976-996): AVARMRVDSD[Asn986Tyr]AYIGVTYKNE